The following is an entry in ClinVar:

NM_000292.3(PHKA2):c.2324A>G (p.Asp775Gly)

Gene: PHKA2 (phosphorylase kinase regulatory subunit alpha 2; minus strand). Cytogenetic location: Xp22.13.
Variant type: single nucleotide variant.
Coding change: c.2324A>G on transcript NM_000292.3 (MANE Select); coding-DNA position 2324, A replaced by G.
Protein change: p.Asp775Gly; replaces aspartic acid 775 with glycine.
Molecular consequence: missense variant.
Genome position (GRCh38, 1-based): chrX:18,908,837, T>C on the plus strand (A>G on the coding strand, the complement: PHKA2 is on the minus strand). VCF-style: chrX-18908837-T-C. GRCh37 (hg19) VCF-style: chrX-18926955-T-C.
Other names: short protein forms D775G.
Identifiers: ClinVar variation 3694467 (VCV003694467.2).
Genomic context (GRCh38, chrX:18,908,837, plus strand): 5'-GCCCGAATGGACTCAGACACTTACTTTATGACATAAAGAATGTACAGAATGTCTGCTTGG[T>C]CCTGTAGGTTCGAACAATCTTTTAGCTGCTCAACCAGCTTCTCACAGTCCACGTCACCAT-3'
Protein context (NP_000283.1, residues 765-785): EQLKDCSNLQ[Asp775Gly]QADILYILYV

ClinVar aggregate classification (germline): Uncertain significance (1 of 4 stars; one submission).

Conditions:
Glycogen storage disease IXa1. Also called: LIVER GLYCOGENOSIS, X-LINKED, TYPE I; GLYCOGEN STORAGE DISEASE VIII; GSD VIII; Glycogen storage disease 8. Identifiers: Orphanet 264580, MedGen C3694531, MONDO:0010598, OMIM 306000.

gnomAD v4.1: 1 of 1,209,916 alleles (0.000083%); highest among the groups gnomAD compares: Non-Finnish European, 0.00011%; no homozygotes.

Submission:

Labcorp Genetics (formerly Invitae), Labcorp
Classification: Uncertain significance for Glycogen storage disease IXa1. Last evaluated: 2025-08-09. Review status: criteria provided, single submitter. Criteria: Invitae Variant Classification Sherloc (09022015). Collection method: clinical testing. Allele origin: germline.
Comment: This sequence change replaces aspartic acid, which is acidic and polar, with glycine, which is neutral and non-polar, at codon 775 of the PHKA2 protein (p.Asp775Gly). This variant is not present in population databases (gnomAD no frequency). This variant has not been reported in the literature in individuals affected with PHKA2-related conditions. ClinVar contains an entry for this variant (Variation ID: 3694467). Invitae Evidence Modeling of protein sequence and biophysical properties (such as structural, functional, and spatial information, amino acid conservation, physicochemical variation, residue mobility, and thermodynamic stability) indicates that this missense variant is expected to disrupt PHKA2 protein function with a positive predictive value of 80%. In summary, the available evidence is currently insufficient to determine the role of this variant in disease. Therefore, it has been classified as a Variant of Uncertain Significance.